The following is an entry in ClinVar:

ClinVar aggregate classification (germline): Uncertain significance (1 of 4 stars; one submission).

Allele frequency attached by ClinVar (database versions not stated): gnomAD 0.00001.
gnomAD v4.1: 5 of 1,614,072 alleles (0.00031%); highest among the groups gnomAD compares: Non-Finnish European, 0.00042%; no homozygotes.

Submission:

GeneDx
Classification: Uncertain significance. Last evaluated: 2021-03-30. Review status: criteria provided, single submitter. Criteria: GeneDx Variant Classification Process June 2021. Collection method: clinical testing. Allele origin: germline. Affected: yes.
Comment: Not observed in large population cohorts (Lek et al., 2016); In silico analysis supports that this missense variant has a deleterious effect on protein structure/function; Has not been previously published as pathogenic or benign to our knowledge

NM_004369.4(COL6A3):c.2732G>T (p.Gly911Val)

Gene: COL6A3 (collagen type VI alpha 3 chain; minus strand). Cytogenetic location: 2q37.3.
Variant type: single nucleotide variant.
Coding change: c.2732G>T on transcript NM_004369.4 (MANE Select); coding-DNA position 2732, G replaced by T.
Protein change: p.Gly911Val; replaces glycine 911 with valine.
Molecular consequence: missense variant.
Genome position (GRCh38, 1-based): chr2:237,377,110, C>A on the plus strand (G>T on the coding strand, the complement: COL6A3 is on the minus strand). VCF-style: chr2-237377110-C-A. GRCh37 (hg19) VCF-style: chr2-238285753-C-A.
Other names: c.1511G>T, p.Gly504Val (NM_057164.5); c.2114G>T, p.Gly705Val (NM_057165.5, NM_057167.4); c.911G>T, p.Gly304Val (NM_057166.5); short protein forms G911V, G304V, G504V, G705V.
Identifiers: ClinVar variation 453159 (VCV000453159.3), dbSNP rs149310819, ClinGen allele CA351210585.
Genomic context (GRCh38, chr2:237,377,110, plus strand): 5'-GACTTCACAAAAATGTACCTCTGTGCATAGTCCAGCGCGTAGCCCAGGTTGAGGGCTTTG[C>A]CCGTCTTGATCTTCATTCTCTTCACAAGATTCAGGATCTCAGGCTTACTCTGGTGCTCAT-3'
Protein context (NP_004360.2, residues 901-921): NLVKRMKIKT[Gly911Val]KALNLGYALD